The following is an entry in ClinVar:

ClinVar aggregate classification (germline): Uncertain significance. Review status: criteria provided, multiple submitters, no conflicts (2 of 4 stars). 2 submissions from 2 submitters: Uncertain significance (2). Last evaluated 2025-04-03.

Conditions:
Hereditary cancer-predisposing syndrome. Also called: Tumor predisposition; Neoplastic Syndromes, Hereditary; Hereditary neoplastic syndrome; Hereditary Cancer Syndrome. Identifiers: Orphanet 140162, MedGen C0027672, MeSH D009386, MONDO:0015356.

Submissions (2):

Ambry Genetics
Classification: Uncertain significance for Hereditary cancer-predisposing syndrome. Last evaluated: 2025-04-03. Review status: criteria provided, single submitter. Criteria: Ambry Variant Classification Scheme 2023. Collection method: clinical testing. Allele origin: germline.
Comment: The p.E438D variant (also known as c.1314G>C), located in coding exon 13 of the POLE gene, results from a G to C substitution at nucleotide position 1314. The glutamic acid at codon 438 is replaced by aspartic acid, an amino acid with highly similar properties. This amino acid position is conserved. In addition, the in silico prediction for this alteration is inconclusive. Based on the available evidence, the clinical significance of this variant remains unclear.

Labcorp Genetics (formerly Invitae), Labcorp
Classification: Uncertain significance. Last evaluated: 2023-08-24. Review status: criteria provided, single submitter. Criteria: Invitae Variant Classification Sherloc (09022015). Collection method: clinical testing. Allele origin: germline.
Comment: Advanced modeling of protein sequence and biophysical properties (such as structural, functional, and spatial information, amino acid conservation, physicochemical variation, residue mobility, and thermodynamic stability) performed at Invitae indicates that this missense variant is expected to disrupt POLE protein function. In summary, the available evidence is currently insufficient to determine the role of this variant in disease. Therefore, it has been classified as a Variant of Uncertain Significance. ClinVar contains an entry for this variant (Variation ID: 849041). This variant has not been reported in the literature in individuals affected with POLE-related conditions. This sequence change replaces glutamic acid, which is acidic and polar, with aspartic acid, which is acidic and polar, at codon 438 of the POLE protein (p.Glu438Asp). This variant is not present in population databases (gnomAD no frequency).

NM_006231.4(POLE):c.1314G>C (p.Glu438Asp)

Gene: POLE (DNA polymerase epsilon, catalytic subunit; minus strand). Cytogenetic location: 12q24.33.
Variant type: single nucleotide variant.
Coding change: c.1314G>C on transcript NM_006231.4 (MANE Select); coding-DNA position 1314, G replaced by C.
Protein change: p.Glu438Asp; replaces glutamic acid 438 with aspartic acid.
Molecular consequence: missense variant.
Genome position (GRCh38, 1-based): chr12:132,673,620, C>G on the plus strand (G>C on the coding strand, the complement: POLE is on the minus strand). VCF-style: chr12-132673620-C-G. GRCh37 (hg19) VCF-style: chr12-133250206-C-G.
Other names: c.1314G>C (NM_006231.2); short protein forms E438D.
Identifiers: ClinVar variation 849041 (VCV000849041.8), dbSNP rs2042981172, ClinGen allele CA387359327.
Genomic context (GRCh38, chr12:132,673,620, plus strand): 5'-ATGTGGCTTACGTGCCTGGGGCTGCTCCGTGGCCATCCGGCACATGTCCTCCGGGTCTAG[C>G]TCCACGGGATCATAGCCTAGCTTGGCCTTGGCGGCCGCCTTGAGATTATGACTGCCCACA-3'
Protein context (NP_006222.2, residues 428-448): AKAKLGYDPV[Glu438Asp]LDPEDMCRMA